The following is an entry in ClinVar:

NM_001042603.3(KDM5A):c.3325C>T (p.Pro1109Ser)

Gene: KDM5A (lysine demethylase 5A; minus strand). Cytogenetic location: 12p13.33.
Variant type: single nucleotide variant.
Coding change: c.3325C>T on transcript NM_001042603.3 (MANE Select); coding-DNA position 3325, C replaced by T.
Protein change: p.Pro1109Ser; replaces proline 1109 with serine.
Molecular consequence: missense variant.
Genome position (GRCh38, 1-based): chr12:309,856, G>A on the plus strand (C>T on the coding strand, the complement: KDM5A is on the minus strand). VCF-style: chr12-309856-G-A. GRCh37 (hg19) VCF-style: chr12-419022-G-A.
Other names: short protein forms P1109S.
Identifiers: ClinVar variation 3533145 (VCV003533145.2).

ClinVar aggregate classification (germline): Uncertain significance (1 of 4 stars; one submission).

Submission:

Ambry Genetics
Classification: Uncertain significance. Last evaluated: 2026-09-02. Review status: criteria provided, single submitter. Criteria: Ambry Variant Classification Scheme 2023. Collection method: clinical testing. Allele origin: germline.
Comment: The c.3325C>T (p.P1109S) alteration is located in exon 22 (coding exon 22) of the KDM5A gene. This alteration results from a C to T substitution at nucleotide position 3325, causing the proline (P) at amino acid position 1109 to be replaced by a serine (S). Based on data from gnomAD, the T allele has an overall frequency of 0.002% (6/280802) total alleles studied. The highest observed frequency was 0.025% (6/24194) of African alleles. Based on insufficient or conflicting evidence, the clinical significance of this alteration remains unclear.